The following is an entry in ClinVar:

ClinVar aggregate classification (germline): Uncertain significance. Review status: criteria provided, multiple submitters, no conflicts (2 of 4 stars). 4 submissions from 4 submitters: Uncertain significance (3). 1 of the submissions does not count toward it. Last evaluated 2023-11-06.

Conditions:
Inborn genetic diseases. Identifiers: MedGen C0950123, MeSH D030342.
Nemaline myopathy 2 (NEM2). Also called: Nemaline myopathy 2, autosomal recessive. Identifiers: MedGen C1850569, MONDO:0009725, OMIM 256030.

Allele frequency attached by ClinVar (database versions not stated): gnomAD exomes 0.00007 and 0.00001; ExAC 0.00002; TOPMed below 0.00001.
gnomAD v4.1: 98 of 1,611,644 alleles (0.0061%); highest among the groups gnomAD compares: Non-Finnish European, 0.008%; no homozygotes.

Submissions (4):

Ambry Genetics
Classification: Uncertain significance for Inborn genetic diseases. Last evaluated: 2023-11-06. Review status: criteria provided, single submitter. Criteria: Ambry Variant Classification Scheme 2023. Collection method: clinical testing. Allele origin: germline.

Labcorp Genetics (formerly Invitae), Labcorp
Classification: Uncertain significance for Nemaline myopathy 2. Last evaluated: 2022-07-26. Review status: criteria provided, single submitter. Criteria: Invitae Variant Classification Sherloc (09022015). Collection method: clinical testing. Allele origin: germline.
Comment: This sequence change replaces methionine, which is neutral and non-polar, with leucine, which is neutral and non-polar, at codon 2718 of the NEB protein (p.Met2718Leu). This variant is present in population databases (rs767511888, gnomAD 0.002%). This variant has not been reported in the literature in individuals affected with NEB-related conditions. ClinVar contains an entry for this variant (Variation ID: 331488). Algorithms developed to predict the effect of missense changes on protein structure and function are either unavailable or do not agree on the potential impact of this missense change (SIFT: "Deleterious"; PolyPhen-2: "Not Available"; Align-GVGD: "Class C0"). In summary, the available evidence is currently insufficient to determine the role of this variant in disease. Therefore, it has been classified as a Variant of Uncertain Significance.

Illumina Laboratory Services, Illumina
Classification: Uncertain significance for Nemaline myopathy 2. Last evaluated: 2018-01-13. Review status: criteria provided, single submitter. Criteria: ICSL Variant Classification Criteria 13 December 2019. Collection method: clinical testing. Allele origin: germline.

Natera, Inc.
Classification: Uncertain significance for Nemaline myopathy type 2. Last evaluated: 2019-11-11. Review status: no assertion criteria provided. Collection method: clinical testing. Allele origin: germline. Not counted in ClinVar's aggregate classification.

NM_001164508.2(NEB):c.8152A>T (p.Met2718Leu)

Gene: NEB (nebulin; minus strand). Cytogenetic location: 2q23.3.
Variant type: single nucleotide variant.
Coding change: c.8152A>T on transcript NM_001164508.2 (MANE Select); coding-DNA position 8152, A replaced by T.
Protein change: p.Met2718Leu; replaces methionine 2718 with leucine.
Molecular consequence: missense variant.
Genome position (GRCh38, 1-based): chr2:151,643,158, T>A on the plus strand (A>T on the coding strand, the complement: NEB is on the minus strand). VCF-style: chr2-151643158-T-A. GRCh37 (hg19) VCF-style: chr2-152499672-T-A.
Other names: c.8152A>T, p.Met2718Leu (NM_001164507.2, NM_001271208.2, NM_004543.5); short protein forms M2718L.
Identifiers: ClinVar variation 331488 (VCV000331488.12), dbSNP rs767511888, ClinGen allele CA1909678.